The following is an entry in ClinVar:

ClinVar aggregate classification (germline): Uncertain significance. Review status: criteria provided, multiple submitters, no conflicts (2 of 4 stars). 4 submissions from 4 submitters: Uncertain significance (4). Last evaluated 2025-11-18.

Conditions:
Hereditary cancer-predisposing syndrome. Also called: Neoplastic Syndromes, Hereditary; Tumor predisposition; Hereditary neoplastic syndrome; Hereditary Cancer Syndrome. Identifiers: Orphanet 140162, MedGen C0027672, MeSH D009386, MONDO:0015356.
Familial adenomatous polyposis 1 (FAP1). Also called: POLYPOSIS, ADENOMATOUS INTESTINAL; FAMILIAL ADENOMATOUS POLYPOSIS 1, ATTENUATED. Identifiers: MedGen C2713442, MONDO:0021056, OMIM 175100. Disease mechanism: loss of function.

Allele frequency attached by ClinVar (database versions not stated): TOPMed below 0.00001; gnomAD 0.00001.
gnomAD v4.1: 1 of 1,614,120 alleles (0.000062%); highest among the groups gnomAD compares: East Asian, 0.0022%; no homozygotes.

Submissions (4):

Labcorp Genetics (formerly Invitae), Labcorp
Classification: Uncertain significance for Familial adenomatous polyposis 1. Last evaluated: 2025-11-18. Review status: criteria provided, single submitter. Criteria: Invitae Variant Classification Sherloc (09022015). Collection method: clinical testing. Allele origin: germline.
Comment: This sequence change replaces lysine, which is basic and polar, with glutamine, which is neutral and polar, at codon 1449 of the APC protein (p.Lys1449Gln). This variant is not present in population databases (gnomAD no frequency). This variant has not been reported in the literature in individuals affected with APC-related conditions. ClinVar contains an entry for this variant (Variation ID: 629319). Invitae Evidence Modeling of protein sequence and biophysical properties (such as structural, functional, and spatial information, amino acid conservation, physicochemical variation, residue mobility, and thermodynamic stability) indicates that this missense variant is not expected to disrupt APC protein function with a negative predictive value of 95%. In summary, the available evidence is currently insufficient to determine the role of this variant in disease. Therefore, it has been classified as a Variant of Uncertain Significance.

Quest Diagnostics Nichols Institute San Juan Capistrano
Classification: Uncertain significance. Last evaluated: 2025-04-10. Review status: criteria provided, single submitter. Criteria: Quest Diagnostics criteria. Collection method: clinical testing. Allele origin: unknown.
Comment: The APC c.4345A>C (p.Lys1449Gln) variant has not been reported in individuals with APC-related conditions in the published literature. The frequency of this variant in the general population (Genome Aggregation Database) is uninformative in the assessment of its pathogenicity. Analysis of this variant using bioinformatics tools for the prediction of the effect of amino acid changes on protein structure and function yielded conflicting predictions that this variant is benign or damaging. Based on the available information, we are unable to determine the clinical significance of this variant.

Ambry Genetics
Classification: Uncertain significance for Hereditary cancer-predisposing syndrome. Last evaluated: 2024-03-08. Review status: criteria provided, single submitter. Criteria: Ambry Variant Classification Scheme 2023. Collection method: clinical testing. Allele origin: germline.
Comment: The p.K1449Q variant (also known as c.4345A>C), located in coding exon 15 of the APC gene, results from an A to C substitution at nucleotide position 4345. The lysine at codon 1449 is replaced by glutamine, an amino acid with similar properties. This amino acid position is conserved. In addition, in silico predictors for this gene do not accurately predict pathogenicity. Based on the available evidence, the clinical significance of this alteration remains unclear.

Color Diagnostics, LLC DBA Color Health
Classification: Uncertain significance for Hereditary cancer-predisposing syndrome. Last evaluated: 2020-10-13. Review status: criteria provided, single submitter. Criteria: ACMG Guidelines, 2015. Collection method: clinical testing. Allele origin: germline.
Comment: This missense variant replaces lysine with glutamine at codon 1449 of the APC protein. Computational prediction is inconclusive regarding the impact of this variant on protein structure and function (internally defined REVEL score threshold 0.5 < inconclusive < 0.7, PMID: 27666373). To our knowledge, functional studies have not been reported for this variant. This variant has not been reported in individuals affected with hereditary cancer in the literature. This variant has not been identified in the general population by the Genome Aggregation Database (gnomAD). The available evidence is insufficient to determine the role of this variant in disease conclusively. Therefore, this variant is classified as a Variant of Uncertain Significance.

Literature cited by the submitters: PubMed 36179682 (cited by Quest Diagnostics Nichols Institute San Juan Capistrano).

NM_000038.6(APC):c.4345A>C (p.Lys1449Gln)

Gene: APC (APC regulator of Wnt signaling pathway; plus strand). Cytogenetic location: 5q22.2.
Variant type: single nucleotide variant.
Coding change: c.4345A>C on transcript NM_000038.6 (MANE Select); coding-DNA position 4345, A replaced by C.
Protein change: p.Lys1449Gln; replaces lysine 1449 with glutamine.
Molecular consequence: missense variant.
Genome position (GRCh38, 1-based): chr5:112,839,939, A>C. VCF-style: chr5-112839939-A-C. GRCh37 (hg19) VCF-style: chr5-112175636-A-C.
Other names: c.4345A>C, p.Lys1449Gln (NM_001127510.3, NM_001354895.2); c.4291A>C, p.Lys1431Gln (NM_001127511.3); c.4399A>C, p.Lys1467Gln (NM_001354896.2); c.4375A>C, p.Lys1459Gln (NM_001354897.2); c.4270A>C, p.Lys1424Gln (NM_001354898.2); c.4261A>C, p.Lys1421Gln (NM_001354899.2); c.4222A>C, p.Lys1408Gln (NM_001354900.2); c.4168A>C, p.Lys1390Gln (NM_001354901.2); and 5 more; short protein forms K1449Q, K1431Q, K1166Q, K1289Q, K1358Q, K1467Q, K1323Q, K1424Q.
Identifiers: ClinVar variation 629319 (VCV000629319.15), dbSNP rs1561591676, ClinGen allele CA16030849.